The following is an entry in ClinVar:

NM_025074.7(FRAS1):c.5599C>T (p.Gln1867Ter)

Gene: FRAS1 (Fraser extracellular matrix complex subunit 1; plus strand). Cytogenetic location: 4q21.21.
Variant type: single nucleotide variant.
Coding change: c.5599C>T on transcript NM_025074.7 (MANE Select); coding-DNA position 5599, C replaced by T.
Protein change: p.Gln1867Ter; replaces glutamine 1867 with a stop codon.
Molecular consequence: nonsense.
Genome position (GRCh38, 1-based): chr4:78,441,231, C>T. VCF-style: chr4-78441231-C-T. GRCh37 (hg19) VCF-style: chr4-79362385-C-T.
Other names: c.5599C>T, p.Gln1867Ter (NM_001166133.2); short protein forms Q1867*.
Identifiers: ClinVar variation 2710303 (VCV002710303.3), dbSNP rs769534248, ClinGen allele CA357388975.

ClinVar aggregate classification (germline): Pathogenic (1 of 4 stars; one submission).

Allele frequency attached by ClinVar (database versions not stated): TOPMed below 0.00001.

Submission:

Labcorp Genetics (formerly Invitae), Labcorp
Classification: Pathogenic. Last evaluated: 2024-01-25. Review status: criteria provided, single submitter. Criteria: Invitae Variant Classification Sherloc (09022015). Collection method: clinical testing. Allele origin: germline.
Comment: This sequence change creates a premature translational stop signal (p.Gln1867*) in the FRAS1 gene. It is expected to result in an absent or disrupted protein product. Loss-of-function variants in FRAS1 are known to be pathogenic (PMID: 12766769, 18671281). This variant is not present in population databases (gnomAD no frequency). This variant has not been reported in the literature in individuals affected with FRAS1-related conditions. For these reasons, this variant has been classified as Pathogenic.

Literature cited by the submitters: PubMed 12766769; PubMed 18671281.